The following is an entry in ClinVar:

NC_000002.11:g.(?_217279428)_(217281050_?)del

Gene: SMARCAL1 (SNF2 related chromatin remodeling annealing helicase 1; plus strand). Cytogenetic location: 2q35.
Variant type: Deletion.
Identifiers: ClinVar variation 2425896 (VCV002425896.3).

ClinVar aggregate classification (germline): Pathogenic (1 of 4 stars; one submission).

Conditions:
Schimke immuno-osseous dysplasia (SIOD). Also called: Schimke Immunoosseous Dysplasia. Identifiers: Orphanet 1830, MedGen C0877024, MONDO:0009458, OMIM 242900.

Submission:

Labcorp Genetics (formerly Invitae), Labcorp
Classification: Pathogenic for Schimke immuno-osseous dysplasia. Last evaluated: 2022-10-12. Review status: criteria provided, single submitter. Criteria: Invitae Variant Classification Sherloc (09022015). Collection method: clinical testing. Allele origin: germline.
Comment: This variant is a gross deletion of the genomic region encompassing exon(s) 3-4 of the SMARCAL1 gene, which includes the initiator codon. This deletion extends beyond the assayed region for this gene and therefore may encompass additional genes. It is expected to result in an absent or disrupted protein product. Loss-of-function variants in SMARCAL1 are known to be pathogenic (PMID: 11799392, 20301550). This variant has not been reported in the literature in individuals affected with SMARCAL1-related conditions. For these reasons, this variant has been classified as Pathogenic.

Literature cited by the submitters: PubMed 11799392; PubMed 20301550.